The following is an entry in ClinVar:

ClinVar aggregate classification (germline): Uncertain significance. Review status: criteria provided, multiple submitters, no conflicts (2 of 4 stars). 2 submissions from 2 submitters: Uncertain significance (2). Last evaluated 2026-04-08.

Conditions:
SEMA3G-related disorder. Also called: SEMA3G-related condition.

Allele frequency attached by ClinVar (database versions not stated): ExAC 0.00003; gnomAD 0.00004; TOPMed 0.00005; ESP Exome Variant Server 0.00008.
gnomAD v4.1: 58 of 1,602,998 alleles (0.0036%); highest among the groups gnomAD compares: Non-Finnish European, 0.0047%; no homozygotes.

Submissions (2):

PreventionGenetics, part of Exact Sciences
Classification: Uncertain significance for SEMA3G-related condition. Last evaluated: 2026-04-08. Review status: criteria provided, single submitter. Criteria: ACMG Guidelines, 2015. Collection method: clinical testing. Allele origin: germline.
Comment: The SEMA3G c.525C>A variant is predicted to result in the amino acid substitution p.Ser175Arg. To our knowledge, this variant has not been reported in the literature. This variant is reported in 0.0068% of alleles in individuals of European (Non-Finnish) descent in gnomAD. At this time, the clinical significance of this variant is uncertain due to the absence of conclusive functional and genetic evidence.

Ambry Genetics
Classification: Uncertain significance. Last evaluated: 2024-12-09. Review status: criteria provided, single submitter. Criteria: Ambry Variant Classification Scheme 2023. Collection method: clinical testing. Allele origin: germline.

NM_020163.3(SEMA3G):c.525C>A (p.Ser175Arg)

Gene: SEMA3G (semaphorin 3G; minus strand). Cytogenetic location: 3p21.1.
Variant type: single nucleotide variant.
Coding change: c.525C>A on transcript NM_020163.3 (MANE Select); coding-DNA position 525, C replaced by A.
Protein change: p.Ser175Arg; replaces serine 175 with arginine.
Molecular consequence: missense variant.
Genome position (GRCh38, 1-based): chr3:52,441,844, G>T on the plus strand (C>A on the coding strand, the complement: SEMA3G is on the minus strand). VCF-style: chr3-52441844-G-T. GRCh37 (hg19) VCF-style: chr3-52475860-G-T.
Other names: c.525C>A (NM_020163.2); short protein forms S175R.
Identifiers: ClinVar variation 2394652 (VCV002394652.7), dbSNP rs150290789, ClinGen allele CA2438316.
Genomic context (GRCh38, chr3:52,441,844, plus strand): 5'-CTCCCTGTTCTCACCCTGGCCTGGGCATCACCCACCTATGAAGGTGCTGGCAAAGGGACG[G>T]CTGGGCTCGTGAGGGCACCGCCCCCGGCCACTTTCCACACTGCCAGGCTCCAGGTGGAGC-3'
Protein context (NP_064548.1, residues 165-185): SGRGRCPHEP[Ser175Arg]RPFASTFIDG